The following is an entry in ClinVar:

NM_001042545.2(LTBP4):c.4029T>G (p.Tyr1343Ter)

Gene: LTBP4 (latent transforming growth factor beta binding protein 4; plus strand). Cytogenetic location: 19q13.2.
Variant type: single nucleotide variant.
Coding change: c.4029T>G on transcript NM_001042545.2 (MANE Select); coding-DNA position 4029, T replaced by G.
Protein change: p.Tyr1343Ter; replaces tyrosine 1343 with a stop codon.
Molecular consequence: nonsense.
Genome position (GRCh38, 1-based): chr19:40,627,018, T>G. VCF-style: chr19-40627018-T-G. GRCh37 (hg19) VCF-style: chr19-41132923-T-G.
Other names: c.4230T>G, p.Tyr1410Ter (NM_001042544.1); c.4119T>G, p.Tyr1373Ter (NM_003573.2); short protein forms Y1343*, Y1373*, Y1410*.
Identifiers: ClinVar variation 489109 (VCV000489109.2), dbSNP rs1555744253, ClinGen allele CA405910478.

ClinVar aggregate classification (germline): Pathogenic (1 of 4 stars; one submission).

Submission:

GeneDx
Classification: Pathogenic. Last evaluated: 2017-11-22. Review status: criteria provided, single submitter. Criteria: GeneDx Variant Classification (06012015). Collection method: clinical testing. Allele origin: germline. Affected: yes.
Comment: The Y1373X variant in the LTBP4 gene has not been reported previously as a pathogenic variant nor as a benign variant, to our knowledge. This variant is predicted to cause loss of normal protein function either through protein truncation or nonsense-mediated mRNA decay. The Y1373X variant is not observed in large population cohorts (Lek et al., 2016). We interpret Y1373X as a pathogenic variant.